The following is an entry in ClinVar:

NM_182641.4(BPTF):c.7042C>G (p.Gln2348Glu)

Gene: BPTF (bromodomain PHD finger transcription factor; plus strand). Cytogenetic location: 17q24.2.
Variant type: single nucleotide variant.
Coding change: c.7042C>G on transcript NM_182641.4 (MANE Select); coding-DNA position 7042, C replaced by G.
Protein change: p.Gln2348Glu; replaces glutamine 2348 with glutamic acid.
Molecular consequence: missense variant.
Genome position (GRCh38, 1-based): chr17:67,945,750, C>G. VCF-style: chr17-67945750-C-G. GRCh37 (hg19) VCF-style: chr17-65941866-C-G.
Other names: c.7231C>G, p.Gln2411Glu (NM_001439139.1, NM_001439143.1, NM_001439144.1); c.7420C>G, p.Gln2474Glu (NM_001439140.1, NM_001439142.1, NM_004459.7); c.7393C>G, p.Gln2465Glu (NM_001439141.1); short protein forms Q2348E, Q2411E, Q2465E, Q2474E.
Identifiers: ClinVar variation 4536566 (VCV004536566.1).

ClinVar aggregate classification (germline): Uncertain significance (1 of 4 stars; one submission).

Submission:

GeneDx
Classification: Uncertain significance. Last evaluated: 2025-06-04. Review status: criteria provided, single submitter. Criteria: GeneDx Variant Classification Process June 2021. Collection method: clinical testing. Allele origin: germline. Affected: yes.
Comment: Not observed at significant frequency in large population cohorts (gnomAD); In silico analysis suggests that this missense variant does not alter protein structure/function; Has not been previously published as pathogenic or benign to our knowledge